The following is an entry in ClinVar:

ClinVar aggregate classification (germline): Uncertain significance (1 of 4 stars; one submission).

Conditions:
HNSHA due to aldolase A deficiency (GSD12). Also called: GLYCOGEN STORAGE DISEASE XII; GSD XII; RED CELL ALDOLASE DEFICIENCY; Glycogen storage disease due to aldolase A deficiency. Identifiers: Orphanet 57, MedGen C0272066, MONDO:0012747, OMIM 611881.

Allele frequency attached by ClinVar (database versions not stated): ExAC 0.00001; gnomAD 0.00001; gnomAD exomes 0.00001; ESP Exome Variant Server 0.00008.
gnomAD v4.1: 8 of 1,613,970 alleles (0.0005%); highest among the groups gnomAD compares: African/African-American, 0.0013%; no homozygotes.

Submission:

Labcorp Genetics (formerly Invitae), Labcorp
Classification: Uncertain significance for HNSHA due to aldolase A deficiency. Last evaluated: 2022-06-29. Review status: criteria provided, single submitter. Criteria: Invitae Variant Classification Sherloc (09022015). Collection method: clinical testing. Allele origin: germline.
Comment: In summary, the available evidence is currently insufficient to determine the role of this variant in disease. Therefore, it has been classified as a Variant of Uncertain Significance. This sequence change falls in intron 9 of the ALDOA gene. It does not directly change the encoded amino acid sequence of the ALDOA protein. It affects a nucleotide within the consensus splice site. This variant is present in population databases (rs113090361, gnomAD 0.002%). This variant has not been reported in the literature in individuals affected with ALDOA-related conditions. Variants that disrupt the consensus splice site are a relatively common cause of aberrant splicing (PMID: 17576681, 9536098). Algorithms developed to predict the effect of sequence changes on RNA splicing suggest that this variant is not likely to affect RNA splicing.

Literature cited by the submitters: PubMed 17576681; PubMed 9536098.

NM_001243177.4(ALDOA):c.542-3T>C

Genes: ALDOA (aldolase, fructose-bisphosphate A; plus strand), LOC112694756 (uncharaterized LOC112694756; plus strand). Cytogenetic location: 16p11.2.
Variant type: single nucleotide variant.
Coding change: c.542-3T>C on transcript NM_001243177.4 (MANE Select); 3 bases into the intron before coding-DNA position 542, T replaced by C.
Molecular consequence: intron variant.
Genome position (GRCh38, 1-based): chr16:30,068,815, T>C. VCF-style: chr16-30068815-T-C. GRCh37 (hg19) VCF-style: chr16-30080136-T-C.
Other names: c.*889-3T>C (NM_001365307.2, NM_001365305.2, NM_001365304.2); c.380-3T>C (NM_184043.2, NM_001127617.2, NM_184041.5).
Identifiers: ClinVar variation 1977077 (VCV001977077.4), dbSNP rs113090361, ClinGen allele CA8000989.